The following is an entry in ClinVar:

ClinVar aggregate classification (germline): Uncertain significance. Review status: criteria provided, multiple submitters, no conflicts (2 of 4 stars). 2 submissions from 2 submitters: Uncertain significance (2). Last evaluated 2025-03-05.

Conditions:
Inborn genetic diseases. Identifiers: MedGen C0950123, MeSH D030342.

Allele frequency attached by ClinVar (database versions not stated): ExAC 0.00001; gnomAD 0.00001; TOPMed 0.00002.
gnomAD v4.1: 44 of 1,612,106 alleles (0.0027%); highest among the groups gnomAD compares: Non-Finnish European, 0.0032%; no homozygotes.

Submissions (2):

Labcorp Genetics (formerly Invitae), Labcorp
Classification: Uncertain significance. Last evaluated: 2025-03-05. Review status: criteria provided, single submitter. Criteria: Invitae Variant Classification Sherloc (09022015). Collection method: clinical testing. Allele origin: germline.
Comment: This sequence change replaces proline, which is neutral and non-polar, with leucine, which is neutral and non-polar, at codon 292 of the DIP2C protein (p.Pro292Leu). This variant is present in population databases (rs757790883, gnomAD 0.004%). This variant has not been reported in the literature in individuals affected with DIP2C-related conditions. ClinVar contains an entry for this variant (Variation ID: 1939220). An algorithm developed to predict the effect of missense changes on protein structure and function (PolyPhen-2) suggests that this variant is likely to be disruptive. In summary, the available evidence is currently insufficient to determine the role of this variant in disease. Therefore, it has been classified as a Variant of Uncertain Significance.

Ambry Genetics
Classification: Uncertain significance for Inborn genetic diseases. Last evaluated: 2025-02-20. Review status: criteria provided, single submitter. Criteria: Ambry Variant Classification Scheme 2023. Collection method: clinical testing. Allele origin: germline.

NM_014974.3(DIP2C):c.875C>T (p.Pro292Leu)

Gene: DIP2C (DIP2 acetate--CoA ligase C (putative); minus strand). Cytogenetic location: 10p15.3.
Variant type: single nucleotide variant.
Coding change: c.875C>T on transcript NM_014974.3 (MANE Select); coding-DNA position 875, C replaced by T.
Protein change: p.Pro292Leu; replaces proline 292 with leucine.
Molecular consequence: missense variant.
Genome position (GRCh38, 1-based): chr10:414,095, G>A on the plus strand (C>T on the coding strand, the complement: DIP2C is on the minus strand). VCF-style: chr10-414095-G-A. GRCh37 (hg19) VCF-style: chr10-460035-G-A.
Other names: c.875C>T (NM_014974.2); short protein forms P292L.
Identifiers: ClinVar variation 1939220 (VCV001939220.6), dbSNP rs757790883, ClinGen allele CA5381152.